The following is an entry in ClinVar:

ClinVar aggregate classification (germline): Uncertain significance. Review status: criteria provided, multiple submitters, no conflicts (2 of 4 stars). 2 submissions from 2 submitters: Uncertain significance (2). Last evaluated 2026-07-26.

Conditions:
RASopathy. Also called: Noonan spectrum disorder; rasopathies. Identifiers: Orphanet 536391, MedGen C5555857, MONDO:0021060.
Cardiovascular phenotype. Identifiers: MedGen CN230736.

Submissions (2):

Ambry Genetics
Classification: Uncertain significance for Cardiovascular phenotype. Last evaluated: 2026-07-26. Review status: criteria provided, single submitter. Criteria: Ambry Variant Classification Scheme 2023. Collection method: clinical testing. Allele origin: germline.
Comment: The p.R216G variant (also known as c.646C>G), located in coding exon 5 of the RAF1 gene, results from a C to G substitution at nucleotide position 646. The arginine at codon 216 is replaced by glycine, an amino acid with dissimilar properties. This amino acid position is conserved. In addition, this alteration is predicted to be deleterious by in silico analysis. Based on the available evidence, the clinical significance of this variant remains unclear.

Labcorp Genetics (formerly Invitae), Labcorp
Classification: Uncertain significance for RASopathy. Last evaluated: 2024-06-11. Review status: criteria provided, single submitter. Criteria: Invitae Variant Classification Sherloc (09022015). Collection method: clinical testing. Allele origin: germline.
Comment: This sequence change replaces arginine, which is basic and polar, with glycine, which is neutral and non-polar, at codon 216 of the RAF1 protein (p.Arg216Gly). This variant is not present in population databases (gnomAD no frequency). This variant has not been reported in the literature in individuals affected with RAF1-related conditions. Advanced modeling of protein sequence and biophysical properties (such as structural, functional, and spatial information, amino acid conservation, physicochemical variation, residue mobility, and thermodynamic stability) performed at Invitae indicates that this missense variant is not expected to disrupt RAF1 protein function with a negative predictive value of 95%. In summary, the available evidence is currently insufficient to determine the role of this variant in disease. Therefore, it has been classified as a Variant of Uncertain Significance.

NM_002880.4(RAF1):c.646C>G (p.Arg216Gly)

Gene: RAF1 (Raf-1 proto-oncogene, serine/threonine kinase; minus strand). Cytogenetic location: 3p25.2.
Variant type: single nucleotide variant.
Coding change: c.646C>G on transcript NM_002880.4 (MANE Select); coding-DNA position 646, C replaced by G.
Protein change: p.Arg216Gly; replaces arginine 216 with glycine.
Molecular consequence: missense variant. On other transcripts: non-coding transcript variant (3), intron variant (2).
Genome position (GRCh38, 1-based): chr3:12,606,235, G>C on the plus strand (C>G on the coding strand, the complement: RAF1 is on the minus strand). VCF-style: chr3-12606235-G-C. GRCh37 (hg19) VCF-style: chr3-12647734-G-C.
Other names: c.339-1946C>G (NM_001354695.3); c.582-1946C>G (NM_001354693.3); c.646C>G, p.Arg216Gly (NM_001354689.3, NM_001354690.3); c.403C>G, p.Arg135Gly (NM_001354691.3, NM_001354692.3, NM_001354694.3); short protein forms R135G, R216G.
Identifiers: ClinVar variation 3689674 (VCV003689674.3).